The following is an entry in ClinVar:

ClinVar aggregate classification (germline): Pathogenic. Review status: criteria provided, multiple submitters, no conflicts (2 of 4 stars). 3 submissions from 3 submitters: Pathogenic (2). 1 of the submissions does not count toward it. Last evaluated 2021-09-02.

Conditions:
F9-related disorder. Also called: F9-related condition.
F9-related disorders.

Allele frequency attached by ClinVar (database versions not stated): TOPMed 0.00002.

Submissions (3):

Blueprint Genetics
Classification: Pathogenic for F9-related disorders. Last evaluated: 2021-09-02. Review status: criteria provided, single submitter. Criteria: ACMG Guidelines, 2015. Collection method: clinical testing. Allele origin: germline. Affected: yes. Observed: 2 variant alleles.

ARUP Laboratories, Molecular Genetics and Genomics, ARUP Laboratories
Classification: Pathogenic. Last evaluated: 2019-07-24. Review status: criteria provided, single submitter. Criteria: ARUP Molecular Germline Variant Investigation Process. Collection method: clinical testing. Allele origin: germline.
Comment: The F9 c.128G>T; p.Arg43Leu variant (rs1275708479) is reported in the literature in multiple individuals affected with hemophilia B (Ghanem 1993, Hamasaki-Katagiri 2012, Knobloch 1993, Kwon 2008, Factor IX database and references therein). Clotting activity in individuals with this variant have been measured at 3% or less of normal clotting activity (Ghanem 1993, Kwon 2008, Factor IX database). This variant is absent from general population databases (Exome Variant Server, Genome Aggregation Database), indicating it is not a common polymorphism. Additionally, other amino acid substitutions at this codon (p.Arg43Gln, p.Arg43Trp) have been reported in individuals with hemophilia B and are considered disease-causing (Ghanem 1993, Hamasaki-Katagiri 2012, Knobloch 1993, Factor IX database). Based on available information, this variant is considered to be pathogenic. References: Factor IX database: Ghanem N et al. Twenty-four novel hemophilia B mutations revealed by rapid scanning of the whole factor IX gene in a French population sample. Eur J Hum Genet. 1993;1(2):144-55. Hamasaki-Katagiri N et al. Analysis of F9 point mutations and their correlation to severity of haemophilia B disease. Haemophilia. 2012 Nov;18(6):933-40. Knobloch O et al. Recurrent mutations in the factor IX gene: founder effect or repeat de novo events. Investigation of the German haemophilia B population and review of de novo mutations. Hum Genet. 1993 Aug;92(1):40-8. Kwon MJ et al. Identification of mutations in the F9 gene including exon deletion by multiplex ligation-dependent probe amplification in 33 unrelated Korean patients with haemophilia B. Haemophilia. 2008 Sep;14(5):1069-75.

PreventionGenetics, part of Exact Sciences
Classification: Pathogenic for F9-related condition. Last evaluated: 2024-05-14. Review status: no assertion criteria provided. Collection method: clinical testing. Allele origin: germline. Not counted in ClinVar's aggregate classification.
Comment: The F9 c.128G>T variant is predicted to result in the amino acid substitution p.Arg43Leu. This variant has been reported in multiple individuals with Hemophilia B (for example see: as G6365T, Giannelli et al. 1994. PubMed ID: 7937052; Kwon et al. 2008. PubMed ID: 18624698; Hamasaki-Katagiri et al. 2012. PubMed ID: 22639855), and it has been shown to confer < 3% clotting activity (Kwon et al. 2008. PubMed ID: 18624698; Chavali et al. 2009. PubMed ID: 19699296). This variant has not been reported in a large population database, indicating it is rare. This variant is classified as pathogenic.

NM_000133.4(F9):c.128G>T (p.Arg43Leu)

Gene: F9 (coagulation factor IX; plus strand). Cytogenetic location: Xq27.1.
Variant type: single nucleotide variant.
Coding change: c.128G>T on transcript NM_000133.4 (MANE Select); coding-DNA position 128, G replaced by T.
Protein change: p.Arg43Leu; replaces arginine 43 with leucine.
Molecular consequence: missense variant.
Genome position (GRCh38, 1-based): chrX:139,537,049, G>T. VCF-style: chrX-139537049-G-T. GRCh37 (hg19) VCF-style: chrX-138619208-G-T.
Other names: c.128G>T, p.Arg43Leu (NM_001313913.2); c.128G>T (NM_000133.3); short protein forms R43L.
Identifiers: ClinVar variation 993549 (VCV000993549.10), dbSNP rs1275708479, ClinGen allele CA414435545.
Genomic context (GRCh38, chrX:139,537,049, plus strand): 5'-AATTATTCTTTTACATTTCAGTTTTTCTTGATCATGAAAACGCCAACAAAATTCTGAATC[G>T]GCCAAAGAGGTATAATTCAGGTAAATTGGAAGAGTTTGTTCAAGGGAACCTTGAGAGAGA-3'
Protein context (NP_000124.1, residues 33-53): DHENANKILN[Arg43Leu]PKRYNSGKLE